The following is an entry in ClinVar:

NM_004329.3(BMPR1A):c.1316A>C (p.Glu439Ala)

Gene: BMPR1A (bone morphogenetic protein receptor type 1A; plus strand). Cytogenetic location: 10q23.2.
Variant type: single nucleotide variant.
Coding change: c.1316A>C on transcript NM_004329.3 (MANE Select); coding-DNA position 1316, A replaced by C.
Protein change: p.Glu439Ala; replaces glutamic acid 439 with alanine.
Molecular consequence: missense variant. On other transcripts: non-coding transcript variant (3).
Genome position (GRCh38, 1-based): chr10:86,921,669, A>C. VCF-style: chr10-86921669-A-C. GRCh37 (hg19) VCF-style: chr10-88681426-A-C.
Other names: c.1316A>C, p.Glu439Ala (NM_001406581.1, NM_001406582.1, NM_001406561.1 and 19 more transcripts); c.1310A>C, p.Glu437Ala (NM_001406583.1); c.1232A>C, p.Glu411Ala (NM_001406584.1, NM_001406585.1, NM_001406586.1 and 2 more transcripts); c.974A>C, p.Glu325Ala (NM_001406589.1); c.1391A>C, p.Glu464Ala (NM_001406559.1); c.1364A>C, p.Glu455Ala (NM_001406560.1); short protein forms E411A, E464A, E325A, E455A, E437A, E439A.
Identifiers: ClinVar variation 5032990 (VCV005032990.1).

ClinVar aggregate classification (germline): Uncertain significance (1 of 4 stars; one submission).

Conditions:
Hereditary cancer-predisposing syndrome. Also called: Neoplastic Syndromes, Hereditary; Tumor predisposition; Hereditary neoplastic syndrome; Hereditary Cancer Syndrome. Identifiers: Orphanet 140162, MedGen C0027672, MeSH D009386, MONDO:0015356.

Submission:

Ambry Genetics
Classification: Uncertain significance for Hereditary cancer-predisposing syndrome. Last evaluated: 2026-07-07. Review status: criteria provided, single submitter. Criteria: Ambry Variant Classification Scheme 2023. Collection method: clinical testing. Allele origin: germline.
Comment: The p.E439A variant (also known as c.1316A>C), located in coding exon 9 of the BMPR1A gene, results from an A to C substitution at nucleotide position 1316. The glutamic acid at codon 439 is replaced by alanine, an amino acid with dissimilar properties. This amino acid position is conserved. In addition, this alteration is predicted to be deleterious by in silico analysis. Based on the available evidence, the clinical significance of this variant remains unclear.